The following is an entry in ClinVar:

NM_002485.5(NBN):c.101T>G (p.Leu34Arg)

Gene: NBN (nibrin; minus strand). Cytogenetic location: 8q21.3.
Variant type: single nucleotide variant.
Coding change: c.101T>G on transcript NM_002485.5 (MANE Select); coding-DNA position 101, T replaced by G.
Protein change: p.Leu34Arg; replaces leucine 34 with arginine.
Molecular consequence: missense variant. On other transcripts: 5 prime UTR variant (1).
Genome position (GRCh38, 1-based): chr8:89,982,792, A>C on the plus strand (T>G on the coding strand, the complement: NBN is on the minus strand). VCF-style: chr8-89982792-A-C. GRCh37 (hg19) VCF-style: chr8-90995020-A-C.
Other names: c.-196T>G (NM_001024688.3); short protein forms L34R.
Identifiers: ClinVar variation 461490 (VCV000461490.8), dbSNP rs1012390181, ClinGen allele CA181281117.

ClinVar aggregate classification (germline): Uncertain significance. Review status: criteria provided, multiple submitters, no conflicts (2 of 4 stars). 3 submissions from 3 submitters: Uncertain significance (3). Last evaluated 2023-06-23.

Conditions:
Hereditary cancer-predisposing syndrome. Also called: Hereditary neoplastic syndrome; Neoplastic Syndromes, Hereditary; Tumor predisposition; Hereditary Cancer Syndrome. Identifiers: Orphanet 140162, MedGen C0027672, MeSH D009386, MONDO:0015356.
Microcephaly, normal intelligence and immunodeficiency (NBS). Also called: IMMUNODEFICIENCY, MICROCEPHALY, AND CHROMOSOMAL INSTABILITY; SEEMANOVA SYNDROME II; Nijmegen breakage syndrome; Microcephaly with normal intelligence immunodeficiency and lymphoreticular malignancies; Nonsyndromal microcephaly autosomal recessive with normal intelligence; Seemanova syndrome 2. Identifiers: Orphanet 647, MedGen C0398791, MONDO:0009623, OMIM 251260.

Allele frequency attached by ClinVar (database versions not stated): gnomAD exomes below 0.00001; TOPMed 0.00001.

Submissions (3):

Ambry Genetics
Classification: Uncertain significance for Hereditary cancer-predisposing syndrome. Last evaluated: 2023-06-23. Review status: criteria provided, single submitter. Criteria: Ambry Variant Classification Scheme 2023. Collection method: clinical testing. Allele origin: germline.
Comment: The p.L34R variant (also known as c.101T>G), located in coding exon 2 of the NBN gene, results from a T to G substitution at nucleotide position 101. The leucine at codon 34 is replaced by arginine, an amino acid with dissimilar properties. This amino acid position is highly conserved in available vertebrate species. In addition, this alteration is predicted to be deleterious by in silico analysis. Since supporting evidence is limited at this time, the clinical significance of this alteration remains unclear.

Women's Health and Genetics/Laboratory Corporation of America, LabCorp
Classification: Uncertain significance. Last evaluated: 2022-09-19. Review status: criteria provided, single submitter. Criteria: LabCorp Variant Classification Summary - May 2015. Collection method: clinical testing. Allele origin: germline.

Labcorp Genetics (formerly Invitae), Labcorp
Classification: Uncertain significance for Microcephaly, normal intelligence and immunodeficiency. Last evaluated: 2021-09-01. Review status: criteria provided, single submitter. Criteria: Invitae Variant Classification Sherloc (09022015). Collection method: clinical testing. Allele origin: germline.
Comment: This sequence change replaces leucine with arginine at codon 34 of the NBN protein (p.Leu34Arg). The leucine residue is moderately conserved and there is a moderate physicochemical difference between leucine and arginine. This variant is not present in population databases (ExAC no frequency). This variant has not been reported in the literature in individuals affected with NBN-related conditions. ClinVar contains an entry for this variant (Variation ID: 461490). Algorithms developed to predict the effect of missense changes on protein structure and function are either unavailable or do not agree on the potential impact of this missense change (SIFT: "Deleterious"; PolyPhen-2: "Probably Damaging"; Align-GVGD: "Class C0"). In summary, the available evidence is currently insufficient to determine the role of this variant in disease. Therefore, it has been classified as a Variant of Uncertain Significance.